The following is an entry in ClinVar:

ClinVar aggregate classification (germline): Uncertain significance (1 of 4 stars; one submission).

Allele frequency attached by ClinVar (database versions not stated): gnomAD exomes below 0.00001; TOPMed 0.00002.
gnomAD v4.1: 7 of 1,600,080 alleles (0.00044%); highest among the groups gnomAD compares: Non-Finnish European, 0.00051%; no homozygotes.

Submission:

Labcorp Genetics (formerly Invitae), Labcorp
Classification: Uncertain significance. Last evaluated: 2020-11-26. Review status: criteria provided, single submitter. Criteria: Invitae Variant Classification Sherloc (09022015). Collection method: clinical testing. Allele origin: germline.
Comment: Algorithms developed to predict the effect of missense changes on protein structure and function output the following: SIFT: "Tolerated"; PolyPhen-2: "Benign"; Align-GVGD: "Class C0". The valine amino acid residue is found in multiple mammalian species, suggesting that this missense change does not adversely affect protein function. These predictions have not been confirmed by published functional studies and their clinical significance is uncertain. In summary, the available evidence is currently insufficient to determine the role of this variant in disease. Therefore, it has been classified as a Variant of Uncertain Significance. This sequence change replaces leucine with valine at codon 132 of the PSMG2 protein (p.Leu132Val). The leucine residue is weakly conserved and there is a small physicochemical difference between leucine and valine. This variant is not present in population databases (ExAC no frequency). This variant has not been reported in the literature in individuals with PSMG2-related conditions.

NM_020232.5(PSMG2):c.394C>G (p.Leu132Val)

Gene: PSMG2 (proteasome assembly chaperone 2; plus strand). Cytogenetic location: 18p11.21.
Variant type: single nucleotide variant.
Coding change: c.394C>G on transcript NM_020232.5 (MANE Select); coding-DNA position 394, C replaced by G.
Protein change: p.Leu132Val; replaces leucine 132 with valine.
Molecular consequence: missense variant.
Genome position (GRCh38, 1-based): chr18:12,718,622, C>G. VCF-style: chr18-12718622-C-G. GRCh37 (hg19) VCF-style: chr18-12718621-C-G.
Other names: c.301C>G, p.Leu101Val (NM_147163.2); short protein forms L101V, L132V.
Identifiers: ClinVar variation 1351525 (VCV001351525.8), dbSNP rs1215962164, ClinGen allele CA401967625.
Genomic context (GRCh38, chr18:12,718,622, plus strand): 5'-AGCAGTGGCTGTGCCAGAGTCATTGTTCTTTCAAGCAGTCATTCATATCAGCGTAATGAT[C>G]TGCAGCTTCGTAGGTATGTTTCTGCCTCTGGAAAGTTATTTTTGGTATGGTTTATACTAT-3'
Protein context (NP_064617.2, residues 122-142): SSSHSYQRND[Leu132Val]QLRSTPFRYL